The following is an entry in ClinVar:

NM_015466.4(PTPN23):c.3115C>G (p.Pro1039Ala)

Gene: PTPN23 (protein tyrosine phosphatase non-receptor type 23; plus strand). Cytogenetic location: 3p21.31.
Variant type: single nucleotide variant.
Coding change: c.3115C>G on transcript NM_015466.4 (MANE Select); coding-DNA position 3115, C replaced by G.
Protein change: p.Pro1039Ala; replaces proline 1039 with alanine.
Molecular consequence: missense variant.
Genome position (GRCh38, 1-based): chr3:47,410,913, C>G. VCF-style: chr3-47410913-C-G. GRCh37 (hg19) VCF-style: chr3-47452403-C-G.
Other names: c.2737C>G, p.Pro913Ala (NM_001304482.2); short protein forms P1039A, P913A.
Identifiers: ClinVar variation 2062863 (VCV002062863.2), dbSNP rs371105163, ClinGen allele CA2366204.

ClinVar aggregate classification (germline): Uncertain significance. Review status: criteria provided, multiple submitters, no conflicts (2 of 4 stars). 2 submissions from 2 submitters: Uncertain significance (2). Last evaluated 2022-10-25.

Conditions:
Inborn genetic diseases. Identifiers: MedGen C0950123, MeSH D030342.

Allele frequency attached by ClinVar (database versions not stated): gnomAD exomes 0.00001; gnomAD 0.00002; ExAC 0.00003; ESP Exome Variant Server 0.00008.
gnomAD v4.1: 24 of 1,611,640 alleles (0.0015%); highest among the groups gnomAD compares: Non-Finnish European, 0.0019%; no homozygotes.

Submissions (2):

Ambry Genetics
Classification: Uncertain significance for Inborn genetic diseases. Last evaluated: 2022-10-25. Review status: criteria provided, single submitter. Criteria: Ambry Variant Classification Scheme 2023. Collection method: clinical testing. Allele origin: germline.

Labcorp Genetics (formerly Invitae), Labcorp
Classification: Uncertain significance. Last evaluated: 2022-03-18. Review status: criteria provided, single submitter. Criteria: Invitae Variant Classification Sherloc (09022015). Collection method: clinical testing. Allele origin: germline.
Comment: This sequence change replaces proline, which is neutral and non-polar, with alanine, which is neutral and non-polar, at codon 1039 of the PTPN23 protein (p.Pro1039Ala). This variant is present in population databases (rs371105163, gnomAD 0.01%). This variant has not been reported in the literature in individuals affected with PTPN23-related conditions. Algorithms developed to predict the effect of missense changes on protein structure and function output the following: SIFT: "Deleterious"; PolyPhen-2: "Benign"; Align-GVGD: "Class C0". The alanine amino acid residue is found in multiple mammalian species, which suggests that this missense change does not adversely affect protein function. In summary, the available evidence is currently insufficient to determine the role of this variant in disease. Therefore, it has been classified as a Variant of Uncertain Significance.